The following is an entry in ClinVar:

ClinVar aggregate classification (germline): Uncertain significance (1 of 4 stars; one submission).

Allele frequency attached by ClinVar (database versions not stated): gnomAD exomes below 0.00001; TOPMed below 0.00001; gnomAD 0.00001.
gnomAD v4.1: 3 of 1,613,302 alleles (0.00019%); highest among the groups gnomAD compares: African/African-American, 0.0013%; no homozygotes.

Submission:

Labcorp Genetics (formerly Invitae), Labcorp
Classification: Uncertain significance. Last evaluated: 2022-03-09. Review status: criteria provided, single submitter. Criteria: Invitae Variant Classification Sherloc (09022015). Collection method: clinical testing. Allele origin: germline.
Comment: Algorithms developed to predict the effect of missense changes on protein structure and function (SIFT, PolyPhen-2, Align-GVGD) all suggest that this variant is likely to be tolerated. This sequence change replaces serine, which is neutral and polar, with leucine, which is neutral and non-polar, at codon 260 of the PRPF31 protein (p.Ser260Leu). This variant is not present in population databases (gnomAD no frequency). This variant has not been reported in the literature in individuals affected with PRPF31-related conditions. In summary, the available evidence is currently insufficient to determine the role of this variant in disease. Therefore, it has been classified as a Variant of Uncertain Significance.

NM_015629.4(PRPF31):c.779C>T (p.Ser260Leu)

Gene: PRPF31 (pre-mRNA processing factor 31; plus strand). Cytogenetic location: 19q13.42.
Variant type: single nucleotide variant.
Coding change: c.779C>T on transcript NM_015629.4 (MANE Select); coding-DNA position 779, C replaced by T.
Protein change: p.Ser260Leu; replaces serine 260 with leucine.
Molecular consequence: missense variant.
Genome position (GRCh38, 1-based): chr19:54,124,580, C>T. VCF-style: chr19-54124580-C-T. GRCh37 (hg19) VCF-style: chr19-54627959-C-T.
Other names: short protein forms S260L.
Identifiers: ClinVar variation 2035859 (VCV002035859.4), dbSNP rs1434025015, ClinGen allele CA407751230.
Genomic context (GRCh38, chr19:54,124,580, plus strand): 5'-ACCTCTCCAAGATGCCCGCCTGCAACATCATGCTGCTCGGGGCCCAGCGCAAGACGCTGT[C>T]GGGCTTCTCGTCTACCTCAGTGCTGCCCCACACCGGCTACATCTACCACAGTGACATCGT-3'
Protein context (NP_056444.3, residues 250-270): MLLGAQRKTL[Ser260Leu]GFSSTSVLPH